The following is an entry in ClinVar:

ClinVar aggregate classification (germline): Uncertain significance (1 of 4 stars; one submission).

Conditions:
Tuberous sclerosis 2 (TSC2). Identifiers: Orphanet 805, MedGen C1860707, MONDO:0013199, OMIM 613254.

Submission:

Labcorp Genetics (formerly Invitae), Labcorp
Classification: Uncertain significance for Tuberous sclerosis 2. Last evaluated: 2022-08-09. Review status: criteria provided, single submitter. Criteria: Invitae Variant Classification Sherloc (09022015). Collection method: clinical testing. Allele origin: germline.
Comment: In summary, the available evidence is currently insufficient to determine the role of this variant in disease. Therefore, it has been classified as a Variant of Uncertain Significance. Advanced modeling of protein sequence and biophysical properties (such as structural, functional, and spatial information, amino acid conservation, physicochemical variation, residue mobility, and thermodynamic stability) performed at Invitae indicates that this missense variant is not expected to disrupt TSC2 protein function. ClinVar contains an entry for this variant (Variation ID: 1045834). This variant has not been reported in the literature in individuals affected with TSC2-related conditions. This variant is not present in population databases (gnomAD no frequency). This sequence change replaces valine, which is neutral and non-polar, with leucine, which is neutral and non-polar, at codon 1630 of the TSC2 protein (p.Val1630Leu).

NM_000548.5(TSC2):c.4888G>C (p.Val1630Leu)

Gene: TSC2 (TSC complex subunit 2; plus strand). Cytogenetic location: 16p13.3.
Variant type: single nucleotide variant.
Coding change: c.4888G>C on transcript NM_000548.5 (MANE Select); coding-DNA position 4888, G replaced by C.
Protein change: p.Val1630Leu; replaces valine 1630 with leucine.
Molecular consequence: missense variant.
Genome position (GRCh38, 1-based): chr16:2,086,770, G>C. VCF-style: chr16-2086770-G-C. GRCh37 (hg19) VCF-style: chr16-2136771-G-C.
Other names: c.4756G>C, p.Val1586Leu (NM_001370404.1); c.4759G>C, p.Val1587Leu (NM_001370405.1, NM_021055.3); c.4687G>C, p.Val1563Leu (NM_001077183.3); c.4819G>C, p.Val1607Leu (NM_001114382.3); c.4579G>C, p.Val1527Leu (NM_001318827.2); c.4543G>C, p.Val1515Leu (NM_001318829.2); c.4156G>C, p.Val1386Leu (NM_001318831.2); c.4720G>C, p.Val1574Leu (NM_001318832.2); and 1 more; short protein forms V1527L, V1607L, V1386L, V1564L, V1587L, V1515L, V1563L, V1574L.
Identifiers: ClinVar variation 1045834 (VCV001045834.10), dbSNP rs886051796, ClinGen allele CA394308372.
Genomic context (GRCh38, chr16:2,086,770, plus strand): 5'-ATCCGGCCCTGCTCACCCTCAGCCGTCTTCCACATCGCCACCCTGATGCCCACCAAGGAC[G>C]TGGACAAGCACCGCTGCGACAAGAAGCGCCACCTGGGCAACGACTTTGTGTCCATTGTCT-3'
Protein context (NP_000539.2, residues 1620-1640): HIATLMPTKD[Val1630Leu]DKHRCDKKRH